The following is an entry in ClinVar:

NM_000346.4(SOX9):c.789C>A (p.Gly263=)

Gene: SOX9 (SRY-box transcription factor 9; plus strand). Cytogenetic location: 17q24.3.
Variant type: single nucleotide variant.
Coding change: c.789C>A on transcript NM_000346.4 (MANE Select); coding-DNA position 789, C replaced by A.
Protein change: p.Gly263=; no amino-acid change (glycine 263 retained).
Molecular consequence: synonymous variant.
Genome position (GRCh38, 1-based): chr17:72,123,646, C>A. VCF-style: chr17-72123646-C-A. GRCh37 (hg19) VCF-style: chr17-70119787-C-A.
Identifiers: ClinVar variation 3047613 (VCV003047613.2), dbSNP rs2143251062, ClinGen allele CA501352044.
Genomic context (GRCh38, chr17:72,123,646, plus strand): 5'-CGACGTGCAGCCGGGCAAGGCTGACCTGAAGCGAGAGGGGCGCCCCTTGCCAGAGGGGGG[C>A]AGACAGCCCCCTATCGACTTCCGCGACGTGGACATCGGCGAGCTGAGCAGCGACGTCATC-3'
Protein context (NP_000337.1, residues 253-273): KREGRPLPEG[Gly263=]RQPPIDFRDV

ClinVar aggregate classification (germline): Likely benign (0 of 4 stars; one submission).

Conditions:
SOX9-related disorder. Also called: SOX9-related condition.

Submission:

PreventionGenetics, part of Exact Sciences
Classification: Likely benign for SOX9-related condition. Last evaluated: 2023-07-14. Review status: no assertion criteria provided. Collection method: clinical testing. Allele origin: germline.
Comment: This variant is classified as likely benign based on ACMG/AMP sequence variant interpretation guidelines (Richards et al. 2015 PMID: 25741868, with internal and published modifications).